The following is an entry in ClinVar:

ClinVar aggregate classification (germline): Likely benign (1 of 4 stars; one submission).

Submission:

GeneDx
Classification: Likely benign. Last evaluated: 2020-05-09. Review status: criteria provided, single submitter. Criteria: GeneDx Variant Classification Process June 2021. Collection method: clinical testing. Allele origin: germline. Affected: yes.
Comment: See Variant Classification Assertion Criteria.

NM_138694.4(PKHD1):c.881-117_881-116insTCTCTC

Gene: PKHD1 (PKHD1 ciliary IPT domain containing fibrocystin/polyductin; minus strand). Cytogenetic location: 6p12.2.
Variant type: Microsatellite.
Coding change: c.881-117_881-116insTCTCTC on transcript NM_138694.4 (MANE Select); 117 bases into the intron before coding-DNA position 881 through 116 bases into the intron before coding-DNA position 881, TCTCTC inserted.
Molecular consequence: intron variant.
Genome position: GRCh38 VCF-style: chr6-52065166-T-TAGAGAG. GRCh37 (hg19) VCF-style: chr6-51929964-T-TAGAGAG.
Other names: c.881-117_881-116insTCTCTC (NM_170724.3).
Identifiers: ClinVar variation 3340836 (VCV003340836.1).